The following is an entry in ClinVar:

NM_001330260.2(SCN8A):c.2549G>T (p.Arg850Leu)

Gene: SCN8A (sodium voltage-gated channel alpha subunit 8; plus strand). Cytogenetic location: 12q13.13.
Variant type: single nucleotide variant.
Coding change: c.2549G>T on transcript NM_001330260.2 (MANE Select); coding-DNA position 2549, G replaced by T.
Protein change: p.Arg850Leu; replaces arginine 850 with leucine.
Molecular consequence: missense variant.
Genome position (GRCh38, 1-based): chr12:51,765,675, G>T. VCF-style: chr12-51765675-G-T. GRCh37 (hg19) VCF-style: chr12-52159459-G-T.
Other names: c.2549G>T, p.Arg850Leu (NM_001177984.3, NM_001369788.1, NM_014191.4); short protein forms R850L.
Identifiers: ClinVar variation 4855563 (VCV004855563.1).

ClinVar aggregate classification (germline): Likely pathogenic (1 of 4 stars; one submission).

Conditions:
Developmental and epileptic encephalopathy, 13 (DEE13). Also called: Early infantile epileptic encephalopathy 13; SCN8A-Related Epilepsy; Developmental and Epileptic Encephalopathy (SCN8A-DEE). Identifiers: Orphanet 442835, MedGen C3281191, MONDO:0013801, OMIM 614558.

Submission:

3billion
Classification: Likely pathogenic for Developmental and epileptic encephalopathy, 13. Last evaluated: 2025-09-26. Review status: criteria provided, single submitter. Criteria: ACMG Guidelines, 2015. Collection method: clinical testing. Allele origin: germline. Affected: yes.
Comment: The variant is observed at an extremely low frequency in the gnomAD v4.1.0 dataset (total allele frequency: <0.001%). Predicted Consequence/Location: Missense variant In silico tool predictions suggest damaging effect of the variant on gene or gene product [REVEL: 0.97 (>=0.6, sensitivity 0.68 and specificity 0.92); 3Cnet: 1.00 (> 0.75, sensitivity 0.96 and precision 0.92)]. The same nucleotide change resulting in the same amino acid change has been previously reported to be associated with SCN8A-related disorder (PMID: 30171078). Different missense changes at the same codon (p.Arg850Gln, p.Arg850Gly) have been reported as pathogenic/likely pathogenic with strong evidence (ClinVar ID: VCV000135651, VCV001526183 /PMID: 25785782, 30868116 /3billion dataset). Therefore, this variant is classified as Likely pathogenic according to the recommendation of ACMG/AMP guideline.

Literature cited by the submitters: PubMed 30171078; PubMed 25785782.